The following is an entry in ClinVar:

NM_017534.6(MYH2):c.3640G>A (p.Asp1214Asn)

Genes: MYH2 (myosin heavy chain 2; minus strand), MYHAS (myosin heavy chain gene cluster antisense RNA; plus strand). Cytogenetic location: 17p13.1.
Variant type: single nucleotide variant.
Coding change: c.3640G>A on transcript NM_017534.6 (MANE Select); coding-DNA position 3640, G replaced by A.
Protein change: p.Asp1214Asn; replaces aspartic acid 1214 with asparagine.
Molecular consequence: missense variant.
Genome position (GRCh38, 1-based): chr17:10,528,794, C>T on the plus strand (G>A on the coding strand, the complement: MYH2 is on the minus strand). VCF-style: chr17-10528794-C-T. GRCh37 (hg19) VCF-style: chr17-10432111-C-T.
Other names: c.3640G>A, p.Asp1214Asn (NM_001100112.2); short protein forms D1214N.
Identifiers: ClinVar variation 646308 (VCV000646308.1), dbSNP rs1597450495, ClinGen allele CA398132821.
Genomic context (GRCh38, chr17:10,528,794, plus strand): 5'-TCTCCATCTTCATCTCACTCTTCTCCTTCTCCAGCTTCTGCTTCACTCGCTGCAGGTTGT[C>T]AATCTGCTCCCCAAGCTCGGCCACACTATCTGCATGCTTCTTCCTCAGGGTGGCCGCTGT-3'
Protein context (NP_060004.3, residues 1204-1224): DSVAELGEQI[Asp1214Asn]NLQRVKQKLE

ClinVar aggregate classification (germline): Uncertain significance (1 of 4 stars; one submission).

Conditions:
Myopathy, proximal, and ophthalmoplegia (CMYO6). Also called: MYOPATHY WITH CONGENITAL JOINT CONTRACTURES, OPHTHALMOPLEGIA, AND RIMMED VACUOLES; INCLUSION BODY MYOPATHY 3, AUTOSOMAL DOMINANT; CONGENITAL MYOPATHY 6 WITH OPHTHALMOPLEGIA. Identifiers: Orphanet 363677, Orphanet 79091, MedGen C1854106, MONDO:0011577, OMIM 605637.

Submission:

Labcorp Genetics (formerly Invitae), Labcorp
Classification: Uncertain significance for Inclusion body myopathy 3. Last evaluated: 2018-08-20. Review status: criteria provided, single submitter. Criteria: Invitae Variant Classification Sherloc (09022015). Collection method: clinical testing. Allele origin: germline.
Comment: This sequence change replaces aspartic acid with asparagine at codon 1214 of the MYH2 protein (p.Asp1214Asn). The aspartic acid residue is highly conserved and there is a small physicochemical difference between aspartic acid and asparagine. This variant is not present in population databases (ExAC no frequency). This variant has not been reported in the literature in individuals with MYH2-related disease. Algorithms developed to predict the effect of missense changes on protein structure and function are either unavailable or do not agree on the potential impact of this missense change (SIFT: "Deleterious"; PolyPhen-2: "Benign"; Align-GVGD: "Class C15"). In summary, the available evidence is currently insufficient to determine the role of this variant in disease. Therefore, it has been classified as a Variant of Uncertain Significance.